The following is an entry in ClinVar:

ClinVar aggregate classification (germline): Uncertain significance (1 of 4 stars; one submission).

Conditions:
Osteogenesis imperfecta type 7 (OI7). Also called: OI type 7; OI type VII; OSTEOGENESIS IMPERFECTA, TYPE IIB; Osteogenesis imperfecta type 2B; OI type 2B; Osteogenesis imperfecta, perinatal lethal autosomal recessive. Identifiers: MedGen C1853162, MONDO:0012536, OMIM 610682.

gnomAD v4.1: 6 of 1,613,268 alleles (0.00037%); highest among the groups gnomAD compares: Middle Eastern, 0.016%; no homozygotes.

Submission:

Labcorp Genetics (formerly Invitae), Labcorp
Classification: Uncertain significance for Osteogenesis imperfecta type 7. Last evaluated: 2024-05-20. Review status: criteria provided, single submitter. Criteria: Invitae Variant Classification Sherloc (09022015). Collection method: clinical testing. Allele origin: germline.
Comment: This sequence change replaces tyrosine, which is neutral and polar, with cysteine, which is neutral and slightly polar, at codon 372 of the CRTAP protein (p.Tyr372Cys). This variant is present in population databases (rs114720280, gnomAD 0.007%). This variant has not been reported in the literature in individuals affected with CRTAP-related conditions. Advanced modeling of protein sequence and biophysical properties (such as structural, functional, and spatial information, amino acid conservation, physicochemical variation, residue mobility, and thermodynamic stability) performed at Invitae indicates that this missense variant is expected to disrupt CRTAP protein function with a positive predictive value of 80%. In summary, the available evidence is currently insufficient to determine the role of this variant in disease. Therefore, it has been classified as a Variant of Uncertain Significance.

NM_006371.5(CRTAP):c.1115A>G (p.Tyr372Cys)

Gene: CRTAP (cartilage associated protein; plus strand). Cytogenetic location: 3p22.3.
Variant type: single nucleotide variant.
Coding change: c.1115A>G on transcript NM_006371.5 (MANE Select); coding-DNA position 1115, A replaced by G.
Protein change: p.Tyr372Cys; replaces tyrosine 372 with cysteine.
Molecular consequence: missense variant. On other transcripts: intron variant (1).
Genome position (GRCh38, 1-based): chr3:33,134,228, A>G. VCF-style: chr3-33134228-A-G. GRCh37 (hg19) VCF-style: chr3-33175720-A-G.
Other names: c.986A>G, p.Tyr329Cys (NM_001393364.1); c.965A>G, p.Tyr322Cys (NM_001393365.1); c.1068+1528A>G (NM_001393363.1); short protein forms Y372C, Y322C, Y329C.
Identifiers: ClinVar variation 3706565 (VCV003706565.2).